The following is an entry in ClinVar:

ClinVar aggregate classification (germline): Uncertain significance (1 of 4 stars; one submission).

Conditions:
Developmental and epileptic encephalopathy 108 (DEE108). Identifiers: MedGen C5774253, MONDO:0859314, OMIM 620115.

Submission:

3billion
Classification: Uncertain significance for Developmental and epileptic encephalopathy 108. Last evaluated: 2025-12-17. Review status: criteria provided, single submitter. Criteria: ACMG Guidelines, 2015. Collection method: clinical testing. Allele origin: germline. Affected: yes.
Comment: The variant is not observed in the gnomAD v4.1.0 dataset. Predicted Consequence/Location: Missense variant. Missense changes are a common disease-causing mechanism. Damaging effect on gene or gene product predicted by in silico programs is uncertain [REVEL: 0.45 (damaging >=0.6, benign <0.4), 3Cnet: 0.00 (damaging >0.75, benign <0.1)]. A different missense change at the same codon (p.Arg435Pro) has been reported to be associated with MAST3-related disorder (ClinVar ID: VCV001723195 /PMID: 34185323). However the evidence of pathogenicity is insufficient at this time. Therefore, this variant is classified as VUS according to the recommendation of ACMG/AMP guideline.

Literature cited by the submitters: PubMed 34185323.

NM_001393504.1(MAST3):c.1303C>T (p.Arg435Cys)

Gene: MAST3 (microtubule associated serine/threonine kinase 3; plus strand). Cytogenetic location: 19p13.11.
Variant type: single nucleotide variant.
Coding change: c.1303C>T on transcript NM_001393504.1 (MANE Select); coding-DNA position 1303, C replaced by T.
Protein change: p.Arg435Cys; replaces arginine 435 with cysteine.
Molecular consequence: missense variant.
Genome position (GRCh38, 1-based): chr19:18,130,573, C>T. VCF-style: chr19-18130573-C-T. GRCh37 (hg19) VCF-style: chr19-18241383-C-T.
Other names: c.1327C>T, p.Arg443Cys (NM_001393501.1); c.1306C>T, p.Arg436Cys (NM_001393502.1); c.1303C>T, p.Arg435Cys (NM_001393503.1); c.1300C>T, p.Arg434Cys (NM_001393505.1); c.1255C>T, p.Arg419Cys (NM_001393506.1, NM_001393513.1); c.1282C>T, p.Arg428Cys (NM_001393507.1); c.1237C>T, p.Arg413Cys (NM_001393508.1, NM_001393516.1); c.1234C>T, p.Arg412Cys (NM_001393509.1, NM_001393510.1, NM_001393512.1 and 2 more transcripts); and 4 more; short protein forms R397C, R405C, R406C, R411C, R412C, R413C, R419C, R428C.
Identifiers: ClinVar variation 4854664 (VCV004854664.1).